The following is an entry in ClinVar:

ClinVar aggregate classification (germline): Conflicting classifications of pathogenicity. Review status: criteria provided, conflicting classifications (1 of 4 stars). 5 submissions from 5 submitters: Uncertain significance (4); Likely benign (1). Last evaluated 2025-08-07.

Conditions:
Hereditary cancer-predisposing syndrome. Also called: Neoplastic Syndromes, Hereditary; Tumor predisposition; Hereditary Cancer Syndrome; Hereditary neoplastic syndrome. Identifiers: Orphanet 140162, MedGen C0027672, MeSH D009386, MONDO:0015356.
Familial cancer of breast. Also called: BREAST CANCER, FAMILIAL; Hereditary breast cancer; hereditary breast carcinoma. Identifiers: Orphanet 227535, MedGen C0346153, MONDO:0016419, OMIM 114480. Disease mechanism: loss of function.
Breast-ovarian cancer, familial, susceptibility to, 5 (BROVCA5). Identifiers: MedGen C5830615, MONDO:0957530, OMIM 620442.

Submissions (5):

Labcorp Genetics (formerly Invitae), Labcorp
Classification: Uncertain significance for Familial cancer of breast. Last evaluated: 2025-08-07. Review status: criteria provided, single submitter. Criteria: Invitae Variant Classification Sherloc (09022015). Collection method: clinical testing. Allele origin: germline.
Comment: This sequence change replaces glutamic acid, which is acidic and polar, with aspartic acid, which is acidic and polar, at codon 860 of the PALB2 protein (p.Glu860Asp). This variant is not present in population databases (gnomAD no frequency). This variant has not been reported in the literature in individuals affected with PALB2-related conditions. ClinVar contains an entry for this variant (Variation ID: 484223). Invitae Evidence Modeling of protein sequence and biophysical properties (such as structural, functional, and spatial information, amino acid conservation, physicochemical variation, residue mobility, and thermodynamic stability) indicates that this missense variant is not expected to disrupt PALB2 protein function with a negative predictive value of 80%. In summary, the available evidence is currently insufficient to determine the role of this variant in disease. Therefore, it has been classified as a Variant of Uncertain Significance.

Molecular Pathology, Peter Maccallum Cancer Centre
Classification: Uncertain significance for Familial cancer of breast. Last evaluated: 2025-05-23. Review status: criteria provided, single submitter. Criteria: ACMG Guidelines, 2015. Collection method: clinical testing. Allele origin: germline. Inheritance: Autosomal dominant inheritance.

Ambry Genetics
Classification: Likely benign for Hereditary cancer-predisposing syndrome. Last evaluated: 2024-07-19. Review status: criteria provided, single submitter. Criteria: Ambry Variant Classification Scheme 2023. Collection method: clinical testing. Allele origin: germline.

Department of Pathology and Laboratory Medicine, Sinai Health System
Classification: Uncertain significance for Breast-ovarian cancer, familial, susceptibility to, 5. Last evaluated: 2021-07-05. Review status: criteria provided, single submitter. Criteria: ACMG Guidelines, 2015. Collection method: clinical testing. Allele origin: germline. Affected: yes.

Color Diagnostics, LLC DBA Color Health
Classification: Uncertain significance for Hereditary cancer-predisposing syndrome. Last evaluated: 2020-02-14. Review status: criteria provided, single submitter. Criteria: ACMG Guidelines, 2015. Collection method: clinical testing. Allele origin: germline.
Comment: This missense variant replaces glutamic acid with aspartic acid at codon 860 of the PALB2 protein. Computational prediction suggests that this variant may not impact protein structure and function (internally defined REVEL score threshold <= 0.5, PMID: 27666373). Splice site prediction tools suggest that this variant may not impact RNA splicing. To our knowledge, functional studies have not been performed for this variant. This variant has not been reported in individuals affected with hereditary cancer in the literature. This variant has not been identified in the general population by the Genome Aggregation Database (gnomAD). The available evidence is insufficient to determine the role of this variant in disease conclusively. Therefore, this variant is classified as a Variant of Uncertain Significance.

NM_024675.4(PALB2):c.2580G>T (p.Glu860Asp)

Gene: PALB2 (partner and localizer of BRCA2; minus strand). Cytogenetic location: 16p12.2.
Variant type: single nucleotide variant.
Coding change: c.2580G>T on transcript NM_024675.4 (MANE Select); coding-DNA position 2580, G replaced by T.
Protein change: p.Glu860Asp; replaces glutamic acid 860 with aspartic acid.
Molecular consequence: missense variant.
Genome position (GRCh38, 1-based): chr16:23,629,210, C>A on the plus strand (G>T on the coding strand, the complement: PALB2 is on the minus strand). VCF-style: chr16-23629210-C-A. GRCh37 (hg19) VCF-style: chr16-23640531-C-A.
Other names: short protein forms E860D.
Identifiers: ClinVar variation 484223 (VCV000484223.20), dbSNP rs1348398121, ClinGen allele CA395123652.